The following is an entry in ClinVar:

ClinVar aggregate classification (germline): Uncertain significance (1 of 4 stars; one submission).

Allele frequency attached by ClinVar (database versions not stated): gnomAD 0.00001.
gnomAD v4.1: 3 of 1,613,164 alleles (0.00019%); highest among the groups gnomAD compares: Non-Finnish European, 0.00025%; no homozygotes.

Submission:

Labcorp Genetics (formerly Invitae), Labcorp
Classification: Uncertain significance. Last evaluated: 2024-12-04. Review status: criteria provided, single submitter. Criteria: Invitae Variant Classification Sherloc (09022015). Collection method: clinical testing. Allele origin: germline.
Comment: This sequence change replaces proline, which is neutral and non-polar, with histidine, which is basic and polar, at codon 643 of the COL2A1 protein (p.Pro643His). This variant is present in population databases (no rsID available, gnomAD 0.002%). This variant has not been reported in the literature in individuals affected with COL2A1-related conditions. ClinVar contains an entry for this variant (Variation ID: 2982656). Invitae Evidence Modeling of protein sequence and biophysical properties (such as structural, functional, and spatial information, amino acid conservation, physicochemical variation, residue mobility, and thermodynamic stability) has been performed for this missense variant. However, the output from this modeling did not meet the statistical confidence thresholds required to predict the impact of this variant on COL2A1 protein function. In summary, the available evidence is currently insufficient to determine the role of this variant in disease. Therefore, it has been classified as a Variant of Uncertain Significance.

NM_001844.5(COL2A1):c.1928C>A (p.Pro643His)

Gene: COL2A1 (collagen type II alpha 1 chain; minus strand). Cytogenetic location: 12q13.11.
Variant type: single nucleotide variant.
Coding change: c.1928C>A on transcript NM_001844.5 (MANE Select); coding-DNA position 1928, C replaced by A.
Protein change: p.Pro643His; replaces proline 643 with histidine.
Molecular consequence: missense variant.
Genome position (GRCh38, 1-based): chr12:47,984,100, G>T on the plus strand (C>A on the coding strand, the complement: COL2A1 is on the minus strand). VCF-style: chr12-47984100-G-T. GRCh37 (hg19) VCF-style: chr12-48377883-G-T.
Other names: c.1721C>A, p.Pro574His (NM_033150.3); short protein forms P574H, P643H.
Identifiers: ClinVar variation 2982656 (VCV002982656.3), dbSNP rs1273339342, ClinGen allele CA384548834.
Genomic context (GRCh38, chr12:47,984,100, plus strand): 5'-CAGCCCCTGCCCCCAGGGCCACCTGGGGAGGCTGGGCAGGTACTTACAGCAGGGCCAGGG[G>T]GTCCTGCAGCACCTGTCTCACCATCTTTGCCAGGAAGACCCTAGACAGAAGAGAAAAAGA-3'
Protein context (NP_001835.3, residues 633-653): GKDGETGAAG[Pro643His]PGPAGPAGER